The following is an entry in ClinVar:

NM_001349206.2(LPIN1):c.1314C>T (p.Leu438=)

Gene: LPIN1 (lipin 1; plus strand). Cytogenetic location: 2p25.1.
Variant type: single nucleotide variant.
Coding change: c.1314C>T on transcript NM_001349206.2 (MANE Select); coding-DNA position 1314, C replaced by T.
Protein change: p.Leu438=; no amino-acid change (leucine 438 retained).
Molecular consequence: synonymous variant. On other transcripts: non-coding transcript variant (1).
Genome position (GRCh38, 1-based): chr2:11,783,878, C>T. VCF-style: chr2-11783878-C-T. GRCh37 (hg19) VCF-style: chr2-11924004-C-T.
Other names: c.1224C>T, p.Leu408= (NM_001261427.3); c.1461C>T, p.Leu487= (NM_001261428.3); c.1206C>T, p.Leu402= (NM_001349199.2, NM_001349200.2, NM_001349201.2 and 1 more transcripts); c.1311C>T, p.Leu437= (NM_001349202.2, NM_001349203.2); c.1314C>T, p.Leu438= (NM_001349204.2, NM_001349205.2); c.1404C>T, p.Leu468= (NM_001349207.2); c.1353C>T, p.Leu451= (NM_001349208.2).
Identifiers: ClinVar variation 1593908 (VCV001593908.10), dbSNP rs773982916, ClinGen allele CA1533667.

ClinVar aggregate classification (germline): Benign/Likely benign. Review status: criteria provided, multiple submitters, no conflicts (2 of 4 stars). 3 submissions from 3 submitters: Benign (1); Likely benign (2). Last evaluated 2026-09-01.

Conditions:
Myoglobinuria, acute recurrent, autosomal recessive. Also called: MYOGLOBINURIA, FAMILIAL PAROXYSMAL PARALYTIC; RHABDOMYOLYSIS, ACUTE RECURRENT; Myoglobinuria, recurrent, autosomal recessive. Identifiers: Orphanet 99845, MedGen C1849386, MONDO:0009992, OMIM 268200.

Allele frequency attached by ClinVar (database versions not stated): gnomAD 0.00005; TOPMed 0.00011; gnomAD exomes 0.00016 and 0.00035; ExAC 0.00034.
gnomAD v4.1: 102 of 1,614,078 alleles (0.0063%); highest among the groups gnomAD compares: Admixed American, 0.17%; no homozygotes.

Submissions (3):

CeGaT Center for Human Genetics Tuebingen
Classification: Likely benign. Last evaluated: 2026-09-01. Review status: criteria provided, single submitter. Criteria: CeGaT Center For Human Genetics Tuebingen Variant Classification Criteria Version 2. Collection method: clinical testing. Allele origin: germline. Affected: yes. Observed: 1 variant allele.
Comment: LPIN1: BP4, BP7

Labcorp Genetics (formerly Invitae), Labcorp
Classification: Benign. Last evaluated: 2026-01-19. Review status: criteria provided, single submitter. Criteria: Invitae Variant Classification Sherloc (09022015). Collection method: clinical testing. Allele origin: germline.

ARUP Laboratories, Molecular Genetics and Genomics, ARUP Laboratories
Classification: Likely benign for Myoglobinuria, acute recurrent, autosomal recessive. Last evaluated: 2025-04-03. Review status: criteria provided, single submitter. Criteria: ARUP Molecular Germline Variant Investigation Process 2024. Collection method: clinical testing. Allele origin: germline.